The following is an entry in ClinVar:

NM_000059.4(BRCA2):c.7787G>T (p.Gly2596Val)

Gene: BRCA2 (BRCA2 DNA repair associated; plus strand). Cytogenetic location: 13q13.1.
Variant type: single nucleotide variant.
Coding change: c.7787G>T on transcript NM_000059.4 (MANE Select); coding-DNA position 7787, G replaced by T.
Protein change: p.Gly2596Val; replaces glycine 2596 with valine.
Molecular consequence: missense variant.
Genome position (GRCh38, 1-based): chr13:32,357,911, G>T. VCF-style: chr13-32357911-G-T. GRCh37 (hg19) VCF-style: chr13-32932048-G-T.
Other names: NM_000059.4(BRCA2):c.7787G>T; p.Gly2596Val; short protein forms G2596V.
Identifiers: ClinVar variation 483092 (VCV000483092.16), dbSNP rs1064795140, ClinGen allele CA387746014.

ClinVar aggregate classification (germline): Pathogenic. Review status: reviewed by expert panel (3 of 4 stars). 5 submissions from 5 submitters: Pathogenic (1). 4 of the submissions do not count toward it. Last evaluated 2026-07-23.

Conditions:
Hereditary cancer-predisposing syndrome. Also called: Neoplastic Syndromes, Hereditary; Tumor predisposition; Hereditary Cancer Syndrome; Hereditary neoplastic syndrome. Identifiers: Orphanet 140162, MedGen C0027672, MeSH D009386, MONDO:0015356.
BRCA2-related cancer predisposition. Identifiers: MedGen CN377758, MONDO:0700269.
Hereditary breast ovarian cancer syndrome. Also called: Hereditary breast and ovarian cancer syndrome (HBOC); BRCA1- and BRCA2-Associated Hereditary Breast and Ovarian Cancer; Hereditary breast and ovarian cancer; Hereditary breast and ovarian cancer syndrome; Breast and ovarian cancer; Hereditary breast and/or ovarian cancer syndrome. Identifiers: Orphanet 145, MedGen C0677776, MeSH D061325, MONDO:0003582. Disease mechanism: loss of function.
Breast-ovarian cancer, familial, susceptibility to, 2 (BROVCA2). Also called: BRCA2 Hereditary Breast and Ovarian Cancer. Identifiers: Orphanet 145, MedGen C2675520, MONDO:0012933, OMIM 612555. Disease mechanism: loss of function.

Submissions (5):

ClinGen ENIGMA BRCA1 and BRCA2 Variant Curation Expert Panel, ClinGen
Classification: Pathogenic for BRCA2-related cancer predisposition. Last evaluated: 2026-07-23. Review status: reviewed by expert panel. Criteria: CSpec BRCA1/2ACMG Rules Specifications V1.2. Collection method: curation. Allele origin: germline. Inheritance: Autosomal dominant inheritance.
Comment: The c.7787G>T variant in BRCA2 is a missense variant predicted to cause substitution of Glycine by Valine at amino acid 2596 (p.(Gly2596Val)). This variant is absent from gnomAD v4.1 (read depth ≥25x in >90% samples, PM2_Supporting met). This BRCA2 missense variant is within a key functional domain and the computational predictor BayesDel (noAF) gives a score of 0.45, above the recommended threshold of 0.30 for prediction of impact on BRCA2 function via protein change. A SpliceAI score of 0.15 indicates an unclear predicted impact on splicing (score threshold 0.10-0.20) (PP3 met). Reported by three calibrated studies to exhibit protein function similar to pathogenic control variants (PMIDs: 38417439, 39779857, 39779848) (PS3 met). Multifactorial likelihood ratio analysis using clinically calibrated data produced a combined LR for this variant of 2273.3 (based on Cosegregation LR=1733.4; Pathology LR=4.86; Family History LR=0.27), above the thresholds for very strong evidence towards pathogenicity (LR >350) (PP4_Very strong met; PMID: 34597585, 31131967, Internal lab contributor). In summary, this variant meets the criteria to be classified as a Pathogenic variant for BRCA2-related cancer predisposition based on the ACMG/AMP criteria applied as specified by the ENIGMA BRCA1/2 VCEP (PM2_Supporting, PP3, PS3, PP4_Very strong).

Labcorp Genetics (formerly Invitae), Labcorp
Classification: Likely pathogenic for Hereditary breast ovarian cancer syndrome. Last evaluated: 2024-04-01. Review status: criteria provided, single submitter. Criteria: Invitae Variant Classification Sherloc (09022015). Collection method: clinical testing. Allele origin: germline. Not counted in ClinVar's aggregate classification.
Comment: This sequence change replaces glycine, which is neutral and non-polar, with valine, which is neutral and non-polar, at codon 2596 of the BRCA2 protein (p.Gly2596Val). This variant is not present in population databases (gnomAD no frequency). This missense change has been observed in individual(s) with breast cancer (PMID: 28993434, 34597585). It has also been observed to segregate with disease in related individuals. ClinVar contains an entry for this variant (Variation ID: 483092). Based on a multifactorial likelihood algorithm using genetic, in silico, and/or statistical data, this variant has been determined to have a high probability of being pathogenic (PMID: 34597585). In summary, the currently available evidence indicates that the variant is pathogenic, but additional data are needed to prove that conclusively. Therefore, this variant has been classified as Likely Pathogenic.

Molecular Pathology, Peter Maccallum Cancer Centre
Classification: Pathogenic for Breast-ovarian cancer, familial, susceptibility to, 2. Last evaluated: 2024-02-29. Review status: criteria provided, single submitter. Criteria: ACMG Guidelines, 2015. Collection method: clinical testing. Allele origin: germline. Inheritance: Autosomal dominant inheritance. Not counted in ClinVar's aggregate classification.

KCCC/NGS Laboratory, Kuwait Cancer Control Center
Classification: Uncertain significance for Breast-ovarian cancer, familial, susceptibility to, 2. Last evaluated: 2023-06-06. Review status: criteria provided, single submitter. Criteria: ACMG Guidelines, 2015. Collection method: clinical testing. Allele origin: germline. Affected: yes. Not counted in ClinVar's aggregate classification.
Comment: A variant of uncertain significance was detected in this sample . This sequence change replaces Glycine with Valine in BRCA2 protein (p.Gly2596Val) which located in coding exon 16 of the BRCA2 gene(NM_007300.3), results from a G to T substitution at nucleotide position 7787 (c.7787G>T). This amino acid position is highly conserved. This variant is not present in population databases (gnomAD ) nor in local databases . This variant reported in ClinVar database (ID: 483092) . This alteration is predicted to be possibly damaging and deleterious by ( PolyPhen, BayesDel_addAF, DANN, EIGEN, FATHMM-MKL, LIST-S2, M-CAP, MVP, MutationTaster and SIFT). In summary, the available evidence is currently insufficient to determine the role of this variant in disease. Therefore, it has been classified as a Variant of Uncertain Significance.

Ambry Genetics
Classification: Pathogenic for Hereditary cancer-predisposing syndrome. Last evaluated: 2022-01-05. Review status: criteria provided, single submitter. Criteria: Ambry Variant Classification Scheme 2023. Collection method: clinical testing. Allele origin: germline. Not counted in ClinVar's aggregate classification.
Comment: The p.G2596V pathogenic variant (also known as c.7787G>T), located in coding exon 15 of the BRCA2 gene, results from a G to T substitution at nucleotide position 7787. The glycine at codon 2596 is replaced by valine, an amino acid with dissimilar properties. This alteration has been detected in 1/2575 unselected patients with breast cancer and 0/2809 healthy control individuals from a Malaysian cohort (Wen WX et al. J Med Genet, 2018 02;55:97-103). Additionally, this alteration was non-functional in a homology directed DNA repair (HDR) assay (Ambry internal data). Another alteration at the same codon, p.G2596E (c.7787G>A), has been described as having low functionality in a HDR assay (Guidugli L et al. Am. J. Hum. Genet., 2018 02;102:233-248). This variant is considered to be rare based on population cohorts in the Genome Aggregation Database (gnomAD). This amino acid position is highly conserved in available vertebrate species. In addition, this alteration is predicted to be deleterious by in silico analysis. Based on the supporting evidence, this alteration is interpreted as a disease-causing mutation.

Literature cited by the submitters: PubMed 28993434 (cited by Labcorp Genetics (formerly Invitae), Labcorp and Ambry Genetics); PubMed 34597585 (cited by Labcorp Genetics (formerly Invitae), Labcorp).